The following is an entry in ClinVar:

NM_000145.4(FSHR):c.786C>T (p.Val262=)

Gene: FSHR (follicle stimulating hormone receptor; minus strand). Cytogenetic location: 2p16.3.
Variant type: single nucleotide variant.
Coding change: c.786C>T on transcript NM_000145.4 (MANE Select); coding-DNA position 786, C replaced by T.
Protein change: p.Val262=; no amino-acid change (valine 262 retained).
Molecular consequence: synonymous variant.
Genome position (GRCh38, 1-based): chr2:48,968,766, G>A on the plus strand (C>T on the coding strand, the complement: FSHR is on the minus strand). VCF-style: chr2-48968766-G-A. GRCh37 (hg19) VCF-style: chr2-49195905-G-A.
Other names: c.708C>T, p.Val236= (NM_181446.3).
Identifiers: ClinVar variation 336485 (VCV000336485.8), dbSNP rs150863050, ClinGen allele CA1653786.

ClinVar aggregate classification (germline): Conflicting classifications of pathogenicity. Review status: criteria provided, conflicting classifications (1 of 4 stars). 3 submissions from 2 submitters: Uncertain significance (1); Benign (1); Likely benign (1). Last evaluated 2018-03-29.

Conditions:
Ovarian hyperstimulation syndrome (OHSS). Also called: OVARIAN HYPERSTIMULATION SYNDROME, FAMILIAL GESTATIONAL SPONTANEOUS. Identifiers: Orphanet 64739, MedGen C0085083, MONDO:0011972, OMIM 608115.
Ovarian dysgenesis 1 (ODG1). Also called: GONADAL DYSGENESIS, XX TYPE; OVARIAN DYSGENESIS, HYPERGONADOTROPIC, AUTOSOMAL RECESSIVE; OVARIAN DYSGENESIS, HYPERGONADOTROPIC, WITH NORMAL KARYOTYPE; OVARIAN FAILURE, HYPERGONADOTROPIC; Gonadal dysgenesis XX type deafness. Identifiers: Orphanet 243, MedGen C0949595, MONDO:0024463, OMIM 233300.

Allele frequency attached by ClinVar (database versions not stated): gnomAD exomes 0.00015 and 0.00033; ExAC 0.00037; ESP Exome Variant Server 0.00100; gnomAD 0.00123 and 0.00136; TOPMed 0.00133; 1000 Genomes Project 0.00140; 1000 Genomes Project 30x 0.00156.
gnomAD v4.1: 413 of 1,614,132 alleles (0.026%); highest among the groups gnomAD compares: African/African-American, 0.48%; 2 homozygotes.

Submissions (3):

Labcorp Genetics (formerly Invitae), Labcorp
Classification: Benign. Last evaluated: 2018-03-29. Review status: criteria provided, single submitter. Criteria: Invitae Variant Classification Sherloc (09022015). Collection method: clinical testing. Allele origin: germline.

Illumina Laboratory Services, Illumina
Classification: Uncertain significance for Ovarian dysgenesis 1. Last evaluated: 2018-01-13. Review status: criteria provided, single submitter. Criteria: ICSL Variant Classification Criteria 13 December 2019. Collection method: clinical testing. Allele origin: germline.

Illumina Laboratory Services, Illumina
Classification: Likely benign for Ovarian hyperstimulation syndrome. Last evaluated: 2018-01-13. Review status: criteria provided, single submitter. Criteria: ICSL Variant Classification Criteria 13 December 2019. Collection method: clinical testing. Allele origin: germline.
Comment: This variant was observed in the ICSL laboratory as part of a predisposition screen in an ostensibly healthy population. It had not been previously curated by ICSL or reported in the Human Gene Mutation Database (HGMD: prior to June 1st, 2018), and was therefore a candidate for classification through an automated scoring system. Utilizing variant allele frequency, disease prevalence and penetrance estimates, and inheritance mode, an automated score was calculated to assess if this variant is too frequent to cause the disease. Based on the score and internal cut-off values, a variant classified as likely benign is not then subjected to further curation. The score for this variant resulted in a classification of likely benign for this disease.